The following is an entry in ClinVar:

NM_000440.3(PDE6A):c.628-1G>C

Gene: PDE6A (phosphodiesterase 6A; minus strand). Cytogenetic location: 5q32.
Variant type: single nucleotide variant.
Coding change: c.628-1G>C on transcript NM_000440.3 (MANE Select); the canonical splice acceptor site of the intron before coding-DNA position 628, G replaced by C.
Molecular consequence: splice acceptor variant. On other transcripts: intron variant (1).
Genome position (GRCh38, 1-based): chr5:149,934,020, C>G on the plus strand (G>C on the coding strand, the complement: PDE6A is on the minus strand). VCF-style: chr5-149934020-C-G. GRCh37 (hg19) VCF-style: chr5-149313583-C-G.
Other names: c.475-2852G>C (NM_001410788.1).
Identifiers: ClinVar variation 1511403 (VCV001511403.6), dbSNP rs753687039, ClinGen allele CA3504995.

ClinVar aggregate classification (germline): Likely pathogenic (1 of 4 stars; one submission).

Allele frequency attached by ClinVar (database versions not stated): gnomAD exomes 0.00001; ExAC 0.00002.
gnomAD v4.1: 1 of 1,590,492 alleles (0.000063%); highest among the groups gnomAD compares: Non-Finnish European, 0.000086%; no homozygotes.

Submission:

Labcorp Genetics (formerly Invitae), Labcorp
Classification: Likely pathogenic. Last evaluated: 2021-07-26. Review status: criteria provided, single submitter. Criteria: Invitae Variant Classification Sherloc (09022015). Collection method: clinical testing. Allele origin: germline.
Comment: This sequence change affects an acceptor splice site in intron 2 of the PDE6A gene. It is expected to disrupt RNA splicing. Variants that disrupt the donor or acceptor splice site typically lead to a loss of protein function (PMID: 16199547), and loss-of-function variants in PDE6A are known to be pathogenic (PMID: 7493036, 22128245, 23847139). In summary, the currently available evidence indicates that the variant is pathogenic, but additional data are needed to prove that conclusively. Therefore, this variant has been classified as Likely Pathogenic. Algorithms developed to predict the effect of sequence changes on RNA splicing suggest that this variant may disrupt the consensus splice site. This variant has not been reported in the literature in individuals affected with PDE6A-related conditions. This variant is present in population databases (rs753687039, ExAC 0.003%).

Literature cited by the submitters: PubMed 16199547; PubMed 7493036; PubMed 22128245; PubMed 23847139.